The following is an entry in ClinVar:

NM_138295.5(PKD1L1):c.4940T>C (p.Ile1647Thr)

Gene: PKD1L1 (polycystin 1 like 1, transient receptor potential channel interacting; minus strand). Cytogenetic location: 7p12.3.
Variant type: single nucleotide variant.
Coding change: c.4940T>C on transcript NM_138295.5 (MANE Select); coding-DNA position 4940, T replaced by C.
Protein change: p.Ile1647Thr; replaces isoleucine 1647 with threonine.
Molecular consequence: missense variant.
Genome position (GRCh38, 1-based): chr7:47,853,147, A>G on the plus strand (T>C on the coding strand, the complement: PKD1L1 is on the minus strand). VCF-style: chr7-47853147-A-G. GRCh37 (hg19) VCF-style: chr7-47892745-A-G.
Other names: short protein forms I1647T.
Identifiers: ClinVar variation 774078 (VCV000774078.34), dbSNP rs150396842, ClinGen allele CA4252985.
Genomic context (GRCh38, chr7:47,853,147, plus strand): 5'-TGTAAACAGAAAGGGAAAATAAGGCGCCCTGTTCACTGACCTTTCTGAGAAGCAGCAGGT[A>G]TATAAATCTGCACAATTGACTCATCCCAGAAGTAGATCTGCTTCACAAGAAAATCAGAGG-3'
Protein context (NP_612152.1, residues 1637-1657): FWDESIVQIY[Ile1647Thr]PAASQKDASV

ClinVar aggregate classification (germline): Likely benign. Review status: criteria provided, multiple submitters, no conflicts (2 of 4 stars). 4 submissions from 4 submitters: Likely benign (4). Last evaluated 2026-04-01.

Allele frequency attached by ClinVar (database versions not stated): gnomAD 0.00118; 1000 Genomes Project 0.00120; 1000 Genomes Project 30x 0.00125; TOPMed 0.00194; ESP Exome Variant Server 0.00238; gnomAD exomes 0.00243; ExAC 0.00279.
gnomAD v4.1: 3,995 of 1,612,244 alleles (0.25%); highest among the groups gnomAD compares: Middle Eastern, 2.7%; 15 homozygotes.

Submissions (4):

CeGaT Center for Human Genetics Tuebingen
Classification: Likely benign. Last evaluated: 2026-04-01. Review status: criteria provided, single submitter. Criteria: CeGaT Center For Human Genetics Tuebingen Variant Classification Criteria Version 2. Collection method: clinical testing. Allele origin: germline. Affected: yes. Observed: 9 variant alleles.
Comment: PKD1L1: BP4, BS2

Labcorp Genetics (formerly Invitae), Labcorp
Classification: Likely benign. Last evaluated: 2026-02-01. Review status: criteria provided, single submitter. Criteria: Invitae Variant Classification Sherloc (09022015). Collection method: clinical testing. Allele origin: germline.

Blueprint Genetics
Classification: Likely benign. Last evaluated: 2024-11-20. Review status: criteria provided, single submitter. Criteria: ACMG Guidelines, 2015. Collection method: clinical testing. Allele origin: germline.

Breakthrough Genomics
Classification: Likely benign. Review status: criteria provided, single submitter. Criteria: ACMG Guidelines, 2015. Collection method: not provided. Allele origin: germline. Inheritance: Autosomal recessive inheritance. Affected: yes.